The following is an entry in ClinVar:

NM_014915.3(ANKRD26):c.3061G>C (p.Asp1021His)

Gene: ANKRD26 (ankyrin repeat domain containing 26; minus strand). Cytogenetic location: 10p12.1.
Variant type: single nucleotide variant.
Coding change: c.3061G>C on transcript NM_014915.3 (MANE Select); coding-DNA position 3061, G replaced by C.
Protein change: p.Asp1021His; replaces aspartic acid 1021 with histidine.
Molecular consequence: missense variant.
Genome position (GRCh38, 1-based): chr10:27,035,389, C>G on the plus strand (G>C on the coding strand, the complement: ANKRD26 is on the minus strand). VCF-style: chr10-27035389-C-G. GRCh37 (hg19) VCF-style: chr10-27324318-C-G.
Other names: c.3058G>C, p.Asp1020His (NM_001256053.2); short protein forms D1020H, D1021H.
Identifiers: ClinVar variation 3359717 (VCV003359717.1).

ClinVar aggregate classification (germline): Uncertain significance (1 of 4 stars; one submission).

Submission:

GeneDx
Classification: Uncertain significance. Last evaluated: 2023-06-09. Review status: criteria provided, single submitter. Criteria: GeneDx Variant Classification Process June 2021. Collection method: clinical testing. Allele origin: germline. Affected: yes.
Comment: Not observed at significant frequency in large population cohorts (gnomAD); In silico analysis supports that this missense variant has a deleterious effect on protein structure/function; Has not been previously published as pathogenic or benign to our knowledge